The following is an entry in ClinVar:

NM_005751.5(AKAP9):c.3318+13C>A

Gene: AKAP9 (A-kinase anchoring protein 9; plus strand). Cytogenetic location: 7q21.2.
Variant type: single nucleotide variant.
Coding change: c.3318+13C>A on transcript NM_005751.5 (MANE Select); 13 bases into the intron after coding-DNA position 3318, C replaced by A.
Molecular consequence: intron variant.
Genome position (GRCh38, 1-based): chr7:92,003,248, C>A. VCF-style: chr7-92003248-C-A. GRCh37 (hg19) VCF-style: chr7-91632562-C-A.
Other names: c.3318+13C>A (NM_147185.3).
Identifiers: ClinVar variation 360821 (VCV000360821.15), dbSNP rs73403768, ClinGen allele CA4336265.

ClinVar aggregate classification (germline): Benign/Likely benign. Review status: criteria provided, multiple submitters, no conflicts (2 of 4 stars). 5 submissions from 5 submitters: Benign (4); Likely benign (1). Last evaluated 2026-02-02.

Conditions:
Long QT syndrome 11 (LQT11). Identifiers: Orphanet 101016, Orphanet 768, MedGen C2678483, MONDO:0012738, OMIM 611820.
Long QT syndrome (LQTS). Identifiers: MedGen C0023976, MeSH D008133, MONDO:0002442. Disease mechanism: loss of function. Inheritance: Various modes of inheritance.

Allele frequency attached by ClinVar (database versions not stated): gnomAD exomes 0.00704; ExAC 0.00874; gnomAD 0.02850 and 0.03055; TOPMed 0.03137; ESP Exome Variant Server 0.03157; 1000 Genomes Project 0.03634; 1000 Genomes Project 30x 0.04154.
gnomAD v4.1: 8,183 of 1,541,740 alleles (0.53%); highest among the groups gnomAD compares: African/African-American, 10%; 369 homozygotes.

Submissions (5):

Labcorp Genetics (formerly Invitae), Labcorp
Classification: Benign for Long QT syndrome. Last evaluated: 2026-02-02. Review status: criteria provided, single submitter. Criteria: Invitae Variant Classification Sherloc (09022015). Collection method: clinical testing. Allele origin: germline.

Genome-Nilou Lab
Classification: Benign for Long QT syndrome 11. Last evaluated: 2021-12-05. Review status: criteria provided, single submitter. Criteria: ACMG Guidelines, 2015. Collection method: clinical testing. Allele origin: germline. Affected: no.

Women's Health and Genetics/Laboratory Corporation of America, LabCorp
Classification: Benign. Last evaluated: 2019-09-03. Review status: criteria provided, single submitter. Criteria: LabCorp Variant Classification Summary - May 2015. Collection method: clinical testing. Allele origin: germline.
Comment: Variant summary: AKAP9 c.3318+13C>A alters a non-conserved nucleotide located close to a canonical splice site and therefore could affect mRNA splicing, leading to a significantly altered protein sequence. 5/5 computational tools predict no significant impact on normal splicing. However, these predictions have yet to be confirmed by functional studies. The variant allele was found at a frequency of 0.007 in 242494 control chromosomes in the gnomAD database, including 91 homozygotes. The observed variant frequency is well above the estimated maximal expected allele frequency for a pathogenic variant in AKAP9 causing Arrhythmia phenotype (1e-05), strongly suggesting that the variant is benign. One submitter has provided clinical-significance assessments for this variant to ClinVar after 2014 without evidence for independent evaluation and classified the variant as likely benign. Based on the evidence outlined above, the variant was classified as benign.

GeneDx
Classification: Benign. Last evaluated: 2015-03-03. Review status: criteria provided, single submitter. Criteria: GeneDx Variant Classification Process June 2021. Collection method: clinical testing. Allele origin: germline. Affected: yes.

Breakthrough Genomics
Classification: Likely benign. Review status: criteria provided, single submitter. Criteria: ACMG Guidelines, 2015. Collection method: not provided. Allele origin: germline. Inheritance: Autosomal dominant inheritance. Affected: yes.